The following is an entry in ClinVar:

ClinVar aggregate classification (germline): Conflicting classifications of pathogenicity. Review status: criteria provided, conflicting classifications (1 of 4 stars). 3 submissions from 3 submitters: Uncertain significance (1); Likely benign (1). 1 of the submissions does not count toward it. Last evaluated 2025-10-01.

Conditions:
SLITRK6-related disorder. Also called: SLITRK6-related condition.

Allele frequency attached by ClinVar (database versions not stated): gnomAD exomes 0.00023 and 0.00036; gnomAD 0.00024 and 0.00026; TOPMed 0.00031; ExAC 0.00033; ESP Exome Variant Server 0.00042.
gnomAD v4.1: 374 of 1,612,878 alleles (0.023%); highest among the groups gnomAD compares: South Asian, 0.044%; 1 homozygote.

Submissions (3):

Labcorp Genetics (formerly Invitae), Labcorp
Classification: Likely benign. Last evaluated: 2025-10-01. Review status: criteria provided, single submitter. Criteria: Invitae Variant Classification Sherloc (09022015). Collection method: clinical testing. Allele origin: germline.

GeneDx
Classification: Uncertain significance. Last evaluated: 2025-06-12. Review status: criteria provided, single submitter. Criteria: GeneDx Variant Classification Process June 2021. Collection method: clinical testing. Allele origin: germline. Affected: yes.
Comment: In silico analysis supports that this missense variant has a deleterious effect on protein structure/function; Has not been previously published as pathogenic or benign to our knowledge

PreventionGenetics, part of Exact Sciences
Classification: Likely benign for SLITRK6-related condition. Last evaluated: 2023-04-17. Review status: no assertion criteria provided. Collection method: clinical testing. Allele origin: germline. Not counted in ClinVar's aggregate classification.
Comment: This variant is classified as likely benign based on ACMG/AMP sequence variant interpretation guidelines (Richards et al. 2015 PMID: 25741868, with internal and published modifications).

NM_032229.3(SLITRK6):c.1055T>C (p.Ile352Thr)

Gene: SLITRK6 (SLIT and NTRK like family member 6; minus strand). Cytogenetic location: 13q31.1.
Variant type: single nucleotide variant.
Coding change: c.1055T>C on transcript NM_032229.3 (MANE Select); coding-DNA position 1055, T replaced by C.
Protein change: p.Ile352Thr; replaces isoleucine 352 with threonine.
Molecular consequence: missense variant.
Genome position (GRCh38, 1-based): chr13:85,795,454, A>G on the plus strand (T>C on the coding strand, the complement: SLITRK6 is on the minus strand). VCF-style: chr13-85795454-A-G. GRCh37 (hg19) VCF-style: chr13-86369589-A-G.
Other names: short protein forms I352T.
Identifiers: ClinVar variation 722710 (VCV000722710.15), dbSNP rs199516562, ClinGen allele CA7015175.